The following is an entry in ClinVar:

ClinVar aggregate classification (germline): Pathogenic. Review status: criteria provided, multiple submitters, no conflicts (2 of 4 stars). 8 submissions from 8 submitters: Pathogenic (8). Last evaluated 2025-12-23.

Conditions:
autosomal dominant PALB2-related cancer predisposition.
Inherited breast cancer and ovarian cancer.
Hereditary cancer-predisposing syndrome. Also called: Hereditary neoplastic syndrome; Neoplastic Syndromes, Hereditary; Hereditary Cancer Syndrome; Tumor predisposition. Identifiers: Orphanet 140162, MedGen C0027672, MeSH D009386, MONDO:0015356.
Familial cancer of breast. Also called: hereditary breast carcinoma; BREAST CANCER, FAMILIAL; Hereditary breast cancer. Identifiers: Orphanet 227535, MedGen C0346153, MONDO:0016419, OMIM 114480. Disease mechanism: loss of function.

gnomAD v4.1: 8 of 1,614,160 alleles (0.0005%); highest among the groups gnomAD compares: Non-Finnish European, 0.00068%; no homozygotes.

Submissions (8):

Genetics Laboratory, Great Ormond Street Hospital NHS Foundation Trust, North Thames Genomic Laboratory Hub
Classification: Pathogenic for Inherited breast cancer and ovarian cancer. Last evaluated: 2025-12-23. Review status: criteria provided, single submitter. Criteria: CanVIG PALB2 Gene Specific V1.2. Collection method: clinical testing. Allele origin: germline. Affected: yes.
Comment: PM2_supporting, PVS1_very-strong, PM5_supporting

Variantyx, Inc.
Classification: Pathogenic for autosomal dominant PALB2-related cancer predisposition. Last evaluated: 2025-12-06. Review status: criteria provided, single submitter. Criteria: Variantyx Assertion Criteria 2022. Collection method: clinical testing. Allele origin: germline. Inheritance: Autosomal dominant inheritance. Affected: yes.
Comment: This is a nonsense variant in the PALB2 gene (OMIM: 610355). Pathogenic variants in this gene have been associated with autosomal dominant PALB2-related cancer predisposition. This variant introduces a premature termination codon in exon 7 out of 13 and is expected to result in loss of function, which is a known disease mechanism for PALB2 in this disorder (PMID:2241545, 31841383) (PVS1). This variant has a 0.0007% maximum allele frequency in non-founder control populations (PM2). Based on the current evidence, this variant is classified as pathogenic for autosomal dominant PALB2-related cancer predisposition.

Labcorp Genetics (formerly Invitae), Labcorp
Classification: Pathogenic for Familial cancer of breast. Last evaluated: 2025-07-30. Review status: criteria provided, single submitter. Criteria: Invitae Variant Classification Sherloc (09022015). Collection method: clinical testing. Allele origin: germline.
Comment: This sequence change creates a premature translational stop signal (p.Glu892*) in the PALB2 gene. It is expected to result in an absent or disrupted protein product. Loss-of-function variants in PALB2 are known to be pathogenic (PMID: 17200668, 17200671, 17200672, 24136930, 25099575). This variant is not present in population databases (gnomAD no frequency). This premature translational stop signal has been observed in individual(s) with breast cancer (PMID: 28779002). ClinVar contains an entry for this variant (Variation ID: 233122). Algorithms developed to predict the effect of sequence changes on RNA splicing suggest that this variant may disrupt the consensus splice site. For these reasons, this variant has been classified as Pathogenic.

Ambry Genetics
Classification: Pathogenic for Hereditary cancer-predisposing syndrome. Last evaluated: 2025-02-28. Review status: criteria provided, single submitter. Criteria: Ambry Variant Classification Scheme 2023. Collection method: clinical testing. Allele origin: germline.
Comment: The p.E892* pathogenic mutation (also known as c.2674G>T), located in coding exon 7 of the PALB2 gene, results from a G to T substitution at nucleotide position 2674. This changes the amino acid from a glutamic acid to a stop codon within coding exon 7. This variant is considered to be rare based on population cohorts in the Genome Aggregation Database (gnomAD). This alteration is expected to result in loss of function by premature protein truncation or nonsense-mediated mRNA decay. As such, this alteration is interpreted as a disease-causing mutation.

Genomics and Molecular Medicine Service, East Genomic Laboratory Hub, NHS Genomic Medicine Service
Classification: Pathogenic for Inherited breast cancer and ovarian cancer. Last evaluated: 2024-11-12. Review status: criteria provided, single submitter. Criteria: ACGS Best Practice Guidelines for Variant Classification in Rare Disease 2020. Collection method: clinical testing. Allele origin: germline. Affected: yes.
Comment: PVS1,PM2_Supporting,PM5_Supporting

Myriad Genetics, Inc.
Classification: Pathogenic for Familial cancer of breast. Last evaluated: 2023-09-13. Review status: criteria provided, single submitter. Criteria: Myriad Autosomal Dominant, Autosomal Recessive and X-Linked Classification Criteria (2023). Collection method: clinical testing. Allele origin: unknown.
Comment: This variant is considered pathogenic. This variant creates a termination codon and is predicted to result in premature protein truncation.

Baylor Genetics
Classification: Pathogenic for Familial cancer of breast. Last evaluated: 2023-03-15. Review status: criteria provided, single submitter. Criteria: ACMG Guidelines, 2015. Collection method: clinical testing. Allele origin: unknown.

Color Diagnostics, LLC DBA Color Health
Classification: Pathogenic for Hereditary cancer-predisposing syndrome. Last evaluated: 2020-01-15. Review status: criteria provided, single submitter. Criteria: ACMG Guidelines, 2015. Collection method: clinical testing. Allele origin: germline.
Comment: This variant changes 1 nucleotide in exon 7 of the PALB2 gene, creating a premature translation stop signal. This variant is expected to result in an absent or non-functional protein product. This variant has not been identified in the general population by the Genome Aggregation Database (gnomAD). Loss of PALB2 function is a known mechanism of disease. Based on the available evidence, this variant is classified as Pathogenic.

Literature cited by the submitters: PubMed 2241545 (cited by Variantyx, Inc.); PubMed 31841383 (cited by Variantyx, Inc.); PubMed 17200668 (cited by Labcorp Genetics (formerly Invitae), Labcorp); PubMed 17200671 (cited by Labcorp Genetics (formerly Invitae), Labcorp); PubMed 17200672 (cited by Labcorp Genetics (formerly Invitae), Labcorp); PubMed 24136930 (cited by Labcorp Genetics (formerly Invitae), Labcorp); PubMed 25099575 (cited by Labcorp Genetics (formerly Invitae), Labcorp); PubMed 28779002 (cited by Labcorp Genetics (formerly Invitae), Labcorp).

NM_024675.4(PALB2):c.2674G>T (p.Glu892Ter)

Gene: PALB2 (partner and localizer of BRCA2; minus strand). Cytogenetic location: 16p12.2.
Variant type: single nucleotide variant.
Coding change: c.2674G>T on transcript NM_024675.4 (MANE Select); coding-DNA position 2674, G replaced by T.
Protein change: p.Glu892Ter; replaces glutamic acid 892 with a stop codon.
Molecular consequence: nonsense.
Genome position (GRCh38, 1-based): chr16:23,626,310, C>A on the plus strand (G>T on the coding strand, the complement: PALB2 is on the minus strand). VCF-style: chr16-23626310-C-A. GRCh37 (hg19) VCF-style: chr16-23637631-C-A.
Other names: short protein forms E892*.
Identifiers: ClinVar variation 233122 (VCV000233122.25), dbSNP rs45476495, ClinGen allele CA10579956.